The following is an entry in ClinVar:

NM_001378328.1(CELSR1):c.8474C>T (p.Ser2825Leu)

Gene: CELSR1 (cadherin EGF LAG seven-pass G-type receptor 1; minus strand). Cytogenetic location: 22q13.31.
Variant type: single nucleotide variant.
Coding change: c.8474C>T on transcript NM_001378328.1 (MANE Select); coding-DNA position 8474, C replaced by T.
Protein change: p.Ser2825Leu; replaces serine 2825 with leucine.
Molecular consequence: missense variant.
Genome position (GRCh38, 1-based): chr22:46,365,311, G>A on the plus strand (C>T on the coding strand, the complement: CELSR1 is on the minus strand). VCF-style: chr22-46365311-G-A. GRCh37 (hg19) VCF-style: chr22-46761208-G-A.
Other names: c.8474C>T, p.Ser2825Leu (NM_014246.4); short protein forms S2825L.
Identifiers: ClinVar variation 2629469 (VCV002629469.2), dbSNP rs774223704, ClinGen allele CA10292792.
Genomic context (GRCh38, chr22:46,365,311, plus strand): 5'-GCGCCCCTGGCCGGGTCCCATTTTTCCTCAGCTCCCACCCCATCGTCCTCGCTGTCTGAC[G>A]AGTGTGAGGAGGCGTAAGAGCTGCTCTGCTCATCCAGGGACAGCTCGCTATCTGAGTCGG-3'
Protein context (NP_001365257.1, residues 2815-2835): EQSSSYASSH[Ser2825Leu]SDSEDDGVGA

ClinVar aggregate classification (germline): Uncertain significance. Review status: criteria provided, multiple submitters, no conflicts (2 of 4 stars). 2 submissions from 2 submitters: Uncertain significance (2). Last evaluated 2025-06-07.

Conditions:
CELSR1-related disorder. Also called: CELSR1-related condition.

Allele frequency attached by ClinVar (database versions not stated): ExAC 0.00002; gnomAD exomes 0.00002; gnomAD 0.00003; TOPMed 0.00004.

Submissions (2):

Ambry Genetics
Classification: Uncertain significance. Last evaluated: 2025-06-07. Review status: criteria provided, single submitter. Criteria: Ambry Variant Classification Scheme 2023. Collection method: clinical testing. Allele origin: germline.

PreventionGenetics, part of Exact Sciences
Classification: Uncertain significance for CELSR1-related condition. Last evaluated: 2022-11-04. Review status: criteria provided, single submitter. Criteria: ACMG Guidelines, 2015. Collection method: clinical testing. Allele origin: germline.
Comment: The CELSR1 c.8474C>T variant is predicted to result in the amino acid substitution p.Ser2825Leu. To our knowledge, this variant has not been reported in the literature. This variant is reported in 0.010% of alleles in individuals of East Asian descent in gnomAD. Although we suspect that this variant may be benign, at this time, the clinical significance of this variant is uncertain due to the absence of conclusive functional and genetic evidence.